The following is an entry in ClinVar:

NM_032444.4(SLX4):c.4798C>T (p.Gln1600Ter)

Gene: SLX4 (SLX4 structure-specific endonuclease subunit; minus strand). Cytogenetic location: 16p13.3.
Variant type: single nucleotide variant.
Coding change: c.4798C>T on transcript NM_032444.4 (MANE Select); coding-DNA position 4798, C replaced by T.
Protein change: p.Gln1600Ter; replaces glutamine 1600 with a stop codon.
Molecular consequence: nonsense.
Genome position (GRCh38, 1-based): chr16:3,583,452, G>A on the plus strand (C>T on the coding strand, the complement: SLX4 is on the minus strand). VCF-style: chr16-3583452-G-A. GRCh37 (hg19) VCF-style: chr16-3633453-G-A.
Other names: short protein forms Q1600*.
Identifiers: ClinVar variation 1072456 (VCV001072456.7), dbSNP rs143026968, ClinGen allele CA394515383.
Genomic context (GRCh38, chr16:3,583,452, plus strand): 5'-GCGGCTGTGAGGACTGGCTCTCGTCCTCGGAGTCTGAGTCCAGGGTCTGGTGAGTGTACT[G>A]GAATATCTCCTTCAGCTTCAGAACCATCTGGCGTTTAGGCAGAGGGCGGACTCCAAACCT-3'

ClinVar aggregate classification (germline): Pathogenic (1 of 4 stars; one submission).

Conditions:
Fanconi anemia (FA). Also called: Fanconi's anemia. Identifiers: Orphanet 84, MedGen C0015625, MeSH D005199, MONDO:0019391.

Submission:

Labcorp Genetics (formerly Invitae), Labcorp
Classification: Pathogenic for Fanconi anemia. Last evaluated: 2020-02-27. Review status: criteria provided, single submitter. Criteria: Invitae Variant Classification Sherloc (09022015). Collection method: clinical testing. Allele origin: germline.
Comment: This variant has not been reported in the literature in individuals with SLX4-related conditions. Loss-of-function variants in SLX4 are known to be pathogenic (PMID: 21240277). For these reasons, this variant has been classified as Pathogenic. This variant is not present in population databases (ExAC no frequency). This sequence change creates a premature translational stop signal (p.Gln1600*) in the SLX4 gene. It is expected to result in an absent or disrupted protein product.

Literature cited by the submitters: PubMed 21240277.